The following is an entry in ClinVar:

NM_001009944.3(PKD1):c.7066-5G>A

Gene: PKD1 (polycystin 1, transient receptor potential channel interacting; minus strand). Cytogenetic location: 16p13.3.
Variant type: single nucleotide variant.
Coding change: c.7066-5G>A on transcript NM_001009944.3 (MANE Select); 5 bases into the intron before coding-DNA position 7066, G replaced by A.
Molecular consequence: intron variant.
Genome position (GRCh38, 1-based): chr16:2,106,953, C>T on the plus strand (G>A on the coding strand, the complement: PKD1 is on the minus strand). VCF-style: chr16-2106953-C-T. GRCh37 (hg19) VCF-style: chr16-2156954-C-T.
Other names: p.?; c.7066-5G>A (NM_000296.4, NM_000296.3).
Identifiers: ClinVar variation 256995 (VCV000256995.18), dbSNP rs372745980, ClinGen allele CA7831299.

ClinVar aggregate classification (germline): Benign/Likely benign. Review status: criteria provided, multiple submitters, no conflicts (2 of 4 stars). 8 submissions from 8 submitters: Benign (3); Likely benign (3). 2 of the submissions do not count toward it. Last evaluated 2026-04-21.

Conditions:
PKD1-related disorder. Also called: PKD1-related condition.
Polycystic kidney disease, adult type (PKD1). Also called: Polycystic Kidney, Autosomal Dominant; Polycystic Kidney Disease 1, Autosomal Dominant; Polycystic kidney disease 1; Polycystic kidney disease 1, severe; POLYCYSTIC KIDNEY DISEASE 1 WITH OR WITHOUT POLYCYSTIC LIVER DISEASE; POLYCYSTIC KIDNEY DISEASE, ADULT, TYPE I. Identifiers: MedGen C3149841, MONDO:0008263, OMIM 173900.
Polycystic kidney disease. Also called: Polycystic kidney dysplasia; Kidney, Polycystic. Identifiers: MedGen C0022680, MeSH D007690, MONDO:0020642, HP:0000113.

Allele frequency attached by ClinVar (database versions not stated): ESP Exome Variant Server 0.00389; gnomAD 0.00669; 1000 Genomes Project 0.00699; 1000 Genomes Project 30x 0.00859.

Submissions (8):

Women's Health and Genetics/Laboratory Corporation of America, LabCorp
Classification: Likely benign. Last evaluated: 2026-04-21. Review status: criteria provided, single submitter. Criteria: LabCorp Variant Classification Summary - May 2015. Collection method: clinical testing. Allele origin: germline.

Mayo Clinic Laboratories, Mayo Clinic
Classification: Likely benign. Last evaluated: 2025-07-25. Review status: criteria provided, single submitter. Criteria: ACMG Guidelines, 2015. Collection method: clinical testing. Allele origin: germline. Observed: 6 variant alleles.
Comment: BS1, BP4, BP7

Blueprint Genetics
Classification: Likely benign. Last evaluated: 2024-11-25. Review status: criteria provided, single submitter. Criteria: ACMG Guidelines, 2015. Collection method: clinical testing. Allele origin: germline.

Athena Diagnostics
Classification: Benign. Last evaluated: 2023-11-07. Review status: criteria provided, single submitter. Criteria: Athena Diagnostics Criteria. Collection method: clinical testing. Allele origin: unknown.

GeneDx
Classification: Benign. Last evaluated: 2020-04-30. Review status: criteria provided, single submitter. Criteria: GeneDx Variant Classification Process June 2021. Collection method: clinical testing. Allele origin: germline. Affected: yes.

ARUP Laboratories, Molecular Genetics and Genomics, ARUP Laboratories
Classification: Benign for Polycystic kidney disease, adult type. Last evaluated: 2018-09-04. Review status: criteria provided, single submitter. Criteria: ARUP Molecular Germline Variant Investigation Process. Collection method: clinical testing. Allele origin: germline.

PreventionGenetics, part of Exact Sciences
Classification: Benign for PKD1-related condition. Last evaluated: 2019-08-05. Review status: no assertion criteria provided. Collection method: clinical testing. Allele origin: germline. Not counted in ClinVar's aggregate classification.
Comment: This variant is classified as benign based on ACMG/AMP sequence variant interpretation guidelines (Richards et al. 2015 PMID: 25741868, with internal and published modifications).

Department of Pathology and Laboratory Medicine, Sinai Health System
Classification: Likely benign for Polycystic Kidney disease. Review status: no assertion criteria provided. Collection method: clinical testing. Allele origin: unknown. Affected: yes. Observed: 2 variant alleles. Study: The Canadian Open Genetics Repository (COGR). Not counted in ClinVar's aggregate classification.
Comment: The PKD1 c.7066-5G>A variant was not identified in the literature. The variant was identified in dbSNP (ID: rs372745980) as â€šÃ„ÃºWith Likely benign alleleâ€šÃ„Ã¹, Clinvitae and ClinVar (as likely benign, by Prevention Genetics), ADPKD Mutation Database (as likely neutral), and PKD1-LOVD 3.0 (unclassified, with probability of no functional affect). This variant was identified in the 1000 Genomes Project in 35 of 5008 chromosomes (frequency: 0.007), the NHLBI GO Exome Sequencing Project in 28 of 2604 African American alleles (freq: 0.01), the genome Aggregation Database (beta, October 19th 2016) in 467 (3 homozygous) of 255704 chromosomes (freq. 0.0018), the Exome Aggregation Consortium database (August 8th 2016) in 81 of 93542 chromosomes (freq. 0.00086) specifically in the African population at a greater than 1% frequency: African in 62 of 5588 chromosomes (freq. 0.0111), increasing the likelihood this could be a low frequency benign variant. This variant was not identified in GeneInsight COGR, COSMIS, MutDB, PKD1-LOVD and HAPMAP databases. The c.7066-5G>A variant is located in the 3' splice region but does not affect the invariant -1 and -2 positions. However, positions -3 and -5 to -12 are part of the splicing consensus sequence and variants involving these positions sometimes affect splicing. However, in silico or computational prediction software programs (SpliceSiteFinder, MaxEntScan, NNSPLICE, GeneSplicer, HumanSpliceFinder) do not predict a difference in splicing. In summary, based on the above information, the clinical significance of this variant cannot be determined with certainty at this time although we would lean towards a more benign role for this variant. This variant is classified as likely benign.